The following is an entry in ClinVar:

NM_153240.5(NPHP3):c.1294G>A (p.Asp432Asn)

Genes: NPHP3 (nephrocystin 3; minus strand), NPHP3-ACAD11 (NPHP3-ACAD11 readthrough (NMD candidate); minus strand). Cytogenetic location: 3q22.1.
Variant type: single nucleotide variant.
Coding change: c.1294G>A on transcript NM_153240.5 (MANE Select); coding-DNA position 1294, G replaced by A.
Protein change: p.Asp432Asn; replaces aspartic acid 432 with asparagine.
Molecular consequence: missense variant. On other transcripts: non-coding transcript variant (1).
Genome position (GRCh38, 1-based): chr3:132,705,796, C>T on the plus strand (G>A on the coding strand, the complement: NPHP3 is on the minus strand). VCF-style: chr3-132705796-C-T. GRCh37 (hg19) VCF-style: chr3-132424640-C-T.
Other names: short protein forms D432N.
Identifiers: ClinVar variation 1044552 (VCV001044552.9), dbSNP rs947907684, ClinGen allele CA83597314.
Genomic context (GRCh38, chr3:132,705,796, plus strand): 5'-TTACCTGTTTAATAATCTTTTCTACACAAATATAAGTTTTATATACTCCTTCTGCAGGAT[C>T]TCCTGAGTGATCAATGATCTAGATAAAAATCATTTAAGAACAATGAGAAAAACCATAATA-3'
Protein context (NP_694972.3, residues 422-442): SKAKIIDHSG[Asp432Asn]PAEGVYKTYI

ClinVar aggregate classification (germline): Uncertain significance. Review status: criteria provided, multiple submitters, no conflicts (2 of 4 stars). 2 submissions from 2 submitters: Uncertain significance (2). Last evaluated 2024-10-06.

Conditions:
Nephronophthisis. Also called: Juvenile Nephronophthisis. Identifiers: Orphanet 655, MedGen C0687120, MONDO:0019005, HP:0000090.

Allele frequency attached by ClinVar (database versions not stated): gnomAD 0.00001; TOPMed 0.00001.

Submissions (2):

Labcorp Genetics (formerly Invitae), Labcorp
Classification: Uncertain significance for Nephronophthisis. Last evaluated: 2024-10-06. Review status: criteria provided, single submitter. Criteria: Invitae Variant Classification Sherloc (09022015). Collection method: clinical testing. Allele origin: germline.
Comment: This sequence change replaces aspartic acid, which is acidic and polar, with asparagine, which is neutral and polar, at codon 432 of the NPHP3 protein (p.Asp432Asn). This variant is not present in population databases (gnomAD no frequency). This variant has not been reported in the literature in individuals affected with NPHP3-related conditions. ClinVar contains an entry for this variant (Variation ID: 1044552). Invitae Evidence Modeling of protein sequence and biophysical properties (such as structural, functional, and spatial information, amino acid conservation, physicochemical variation, residue mobility, and thermodynamic stability) has been performed for this missense variant. However, the output from this modeling did not meet the statistical confidence thresholds required to predict the impact of this variant on NPHP3 protein function. In summary, the available evidence is currently insufficient to determine the role of this variant in disease. Therefore, it has been classified as a Variant of Uncertain Significance.

Blueprint Genetics
Classification: Uncertain significance. Last evaluated: 2021-07-21. Review status: criteria provided, single submitter. Criteria: ACMG Guidelines, 2015. Collection method: clinical testing. Allele origin: germline.